The following is an entry in ClinVar:

NM_170682.4(P2RX2):c.296T>C (p.Val99Ala)

Gene: P2RX2 (purinergic receptor P2X 2; plus strand). Cytogenetic location: 12q24.33.
Variant type: single nucleotide variant.
Coding change: c.296T>C on transcript NM_170682.4 (MANE Select); coding-DNA position 296, T replaced by C.
Protein change: p.Val99Ala; replaces valine 99 with alanine.
Molecular consequence: missense variant. On other transcripts: synonymous variant (1), intron variant (1).
Genome position (GRCh38, 1-based): chr12:132,619,561, T>C. VCF-style: chr12-132619561-T-C. GRCh37 (hg19) VCF-style: chr12-133196147-T-C.
Other names: c.296T>C, p.Val99Ala (NM_001282164.2, NM_001282165.2, NM_016318.4 and 2 more transcripts); c.228T>C, p.Arg76= (NM_012226.5); c.106-283T>C (NM_174872.3); short protein forms V99A.
Identifiers: ClinVar variation 4689934 (VCV004689934.1).

ClinVar aggregate classification (germline): Uncertain significance (1 of 4 stars; one submission).

Submission:

GeneDx
Classification: Uncertain significance. Last evaluated: 2025-07-28. Review status: criteria provided, single submitter. Criteria: GeneDx Variant Classification Process June 2021. Collection method: clinical testing. Allele origin: germline. Affected: yes.
Comment: Not observed at significant frequency in large population cohorts (gnomAD); In silico analysis supports that this missense variant has a deleterious effect on protein structure/function; Has not been previously published as pathogenic or benign to our knowledge